The following is an entry in ClinVar:

ClinVar aggregate classification (germline): Pathogenic. Review status: criteria provided, multiple submitters, no conflicts (2 of 4 stars). 3 submissions from 3 submitters: Pathogenic (3). Last evaluated 2025-02-06.

Conditions:
Recessive dystrophic epidermolysis bullosa (RDEB). Also called: severe generalized recessive dystrophic epidermolysis bullosa; epidermolysis bullosa dystrophica, autosomal recessive; Hallopeau-Siemens Disease; EPIDERMOLYSIS BULLOSA DYSTROPHICA, GENERALIZED SEVERE, AUTOSOMAL RECESSIVE; Recessive DEB (RDEB); Epidermolysis Bullosa Distrophica Autosomal Recessive (RDEB). Identifiers: Orphanet 79408, Orphanet 79409, MedGen C0079474, MONDO:0009179, OMIM 226600.

Submissions (3):

Myriad Genetics, Inc.
Classification: Pathogenic for Recessive dystrophic epidermolysis bullosa. Last evaluated: 2025-02-06. Review status: criteria provided, single submitter. Criteria: Myriad Autosomal Dominant, Autosomal Recessive and X-Linked Classification Criteria (2023). Collection method: clinical testing. Allele origin: unknown.
Comment: NM_000094.3(COL7A1):c.2708delA(E903Gfs*30) is expected to be pathogenic in the context of dystrophic epidermolysis bullosa. This variant is predicted to lead to an abnormal or absent protein product due to the creation of a premature termination codon in COL7A1, a gene where loss-of-function variants are known to be pathogenic. Please note: this variant was assessed in the context of healthy population screening.

Labcorp Genetics (formerly Invitae), Labcorp
Classification: Pathogenic. Last evaluated: 2022-05-27. Review status: criteria provided, single submitter. Criteria: Invitae Variant Classification Sherloc (09022015). Collection method: clinical testing. Allele origin: germline.
Comment: This sequence change creates a premature translational stop signal (p.Glu903Glyfs*30) in the COL7A1 gene. It is expected to result in an absent or disrupted protein product. Loss-of-function variants in COL7A1 are known to be pathogenic (PMID: 16971478). This variant is not present in population databases (gnomAD no frequency). This variant has not been reported in the literature in individuals affected with COL7A1-related conditions. For these reasons, this variant has been classified as Pathogenic.

Center for Research in Genodermatoses and Epidermolysis Bullosa, University of Buenos Aires
Classification: Pathogenic for Recessive dystrophic epidermolysis bullosa. Last evaluated: 2022-03-14. Review status: criteria provided, single submitter. Criteria: ACMG Guidelines, 2015. Collection method: clinical testing. Allele origin: paternal. Affected: yes. Observed: 1 variant allele, 1 compound heterozygote.

Literature cited by the submitters: PubMed 16971478 (cited by Labcorp Genetics (formerly Invitae), Labcorp); PubMed 35979658 (cited by Center for Research in Genodermatoses and Epidermolysis Bullosa, University of Buenos Aires).

NM_000094.4(COL7A1):c.2708del (p.Glu903fs)

Gene: COL7A1 (collagen type VII alpha 1 chain; minus strand). Cytogenetic location: 3p21.31.
Variant type: Deletion.
Coding change: c.2708del on transcript NM_000094.4 (MANE Select); coding-DNA position 2708, one base deleted (A; older notation c.2708delA).
Protein change: p.Glu903fs; shifts the reading frame from glutamic acid 903.
Molecular consequence: frameshift variant.
Genome position (GRCh38, 1-based): chr3:48,588,284, T deleted on the plus strand (A on the coding strand, the reverse complement: COL7A1 is on the minus strand). VCF-style (leftmost placement, unchanged base first): chr3-48588283-CT-C. GRCh37 (hg19) VCF-style: chr3-48625716-CT-C.
Other names: short protein forms E903fs.
Identifiers: ClinVar variation 1452325 (VCV001452325.27), dbSNP rs2107763474, ClinGen allele CA2573137323.
Genomic context (GRCh38, chr3:48,588,283, plus strand): 5'-GAGTCTGCCACAGCCCTGCCCCCAATGGTCCCTAACTTCCTCCTGGGGACACCTCTCACC[CT>C]CAGGTTGCCAGTGCAGAAGGAAGCCCTGCGCTCTGGGCACCGGCTCCCAGCGCAGCCTCA-3'